The following is an entry in ClinVar:

ClinVar aggregate classification (germline): Uncertain significance. Review status: criteria provided, multiple submitters, no conflicts (2 of 4 stars). 3 submissions from 3 submitters: Uncertain significance (3). Last evaluated 2024-09-16.

Conditions:
Familial adenomatous polyposis 1 (FAP1). Also called: FAMILIAL ADENOMATOUS POLYPOSIS 1, ATTENUATED; POLYPOSIS, ADENOMATOUS INTESTINAL. Identifiers: MedGen C2713442, MONDO:0021056, OMIM 175100. Disease mechanism: loss of function.
Hereditary cancer-predisposing syndrome. Also called: Tumor predisposition; Neoplastic Syndromes, Hereditary; Hereditary neoplastic syndrome; Hereditary Cancer Syndrome. Identifiers: Orphanet 140162, MedGen C0027672, MeSH D009386, MONDO:0015356.

Submissions (3):

Ambry Genetics
Classification: Uncertain significance for Hereditary cancer-predisposing syndrome. Last evaluated: 2024-09-16. Review status: criteria provided, single submitter. Criteria: Ambry Variant Classification Scheme 2023. Collection method: clinical testing. Allele origin: germline.
Comment: The p.M284V variant (also known as c.850A>G), located in coding exon 8 of the APC gene, results from an A to G substitution at nucleotide position 850. The methionine at codon 284 is replaced by valine, an amino acid with highly similar properties. This alteration was seen in 1/732 breast cancer patients, 0/189 colorectal cancer patients and 0/490 cancer-free elderly controls in a Turkish population (Akcay IM et al. Int J Cancer, 2021 Jan;148:285-295). This amino acid position is not well conserved in available vertebrate species. Missense alterations in APC are not a common cause of disease (Spier I et al. Genet Med. 2024 Feb;26(2):100992). In addition, in silico predictors for this gene do not accurately predict pathogenicity. Based on the available evidence, the clinical significance of this variant remains unclear.

Baylor Genetics
Classification: Uncertain significance for Familial adenomatous polyposis 1. Last evaluated: 2023-05-19. Review status: criteria provided, single submitter. Criteria: ACMG Guidelines, 2015. Collection method: clinical testing. Allele origin: unknown.

Labcorp Genetics (formerly Invitae), Labcorp
Classification: Uncertain significance for Familial adenomatous polyposis 1. Last evaluated: 2019-02-14. Review status: criteria provided, single submitter. Criteria: Invitae Variant Classification Sherloc (09022015). Collection method: clinical testing. Allele origin: germline.
Comment: This sequence change replaces methionine with valine at codon 284 of the APC protein (p.Met284Val). The methionine residue is moderately conserved and there is a small physicochemical difference between methionine and valine. In summary, the available evidence is currently insufficient to determine the role of this variant in disease. Therefore, it has been classified as a Variant of Uncertain Significance. Algorithms developed to predict the effect of missense changes on protein structure and function output the following: SIFT: "Tolerated"; PolyPhen-2: "Benign"; Align-GVGD: "Class C0". The valine amino acid residue is found in multiple mammalian species, suggesting that this missense change does not adversely affect protein function. These predictions have not been confirmed by published functional studies and their clinical significance is uncertain. This variant has not been reported in the literature in individuals with APC-related conditions. This variant is not present in population databases (ExAC no frequency).

Literature cited by the submitters: PubMed 32658311 (cited by Ambry Genetics).

NM_000038.6(APC):c.850A>G (p.Met284Val)

Gene: APC (APC regulator of Wnt signaling pathway; plus strand). Cytogenetic location: 5q22.2.
Variant type: single nucleotide variant.
Coding change: c.850A>G on transcript NM_000038.6 (MANE Select); coding-DNA position 850, A replaced by G.
Protein change: p.Met284Val; replaces methionine 284 with valine.
Molecular consequence: missense variant. On other transcripts: initiator codon variant (1).
Genome position (GRCh38, 1-based): chr5:112,815,510, A>G. VCF-style: chr5-112815510-A-G. GRCh37 (hg19) VCF-style: chr5-112151207-A-G.
Other names: c.850A>G, p.Met284Val (NM_001127510.3, NM_001354895.2, NM_001354896.2 and 1 more transcripts); c.796A>G, p.Met266Val (NM_001127511.3); c.880A>G, p.Met294Val (NM_001354897.2, NM_001354902.2); c.775A>G, p.Met259Val (NM_001354898.2, NM_001354904.2); c.766A>G, p.Met256Val (NM_001354899.2); c.673A>G, p.Met225Val (NM_001354900.2, NM_001354901.2, NM_001354905.2); c.1A>G, p.Met1Val (NM_001354906.2); short protein forms M225V, M294V, M1V, M256V, M259V, M284V, M266V.
Identifiers: ClinVar variation 849546 (VCV000849546.14), dbSNP rs1762409592, ClinGen allele CA16023176.